The following is an entry in ClinVar:

NM_012478.4(WBP2):c.688G>T (p.Ala230Ser)

Gene: WBP2 (WW domain binding protein 2; minus strand). Cytogenetic location: 17q25.1.
Variant type: single nucleotide variant.
Coding change: c.688G>T on transcript NM_012478.4 (MANE Select); coding-DNA position 688, G replaced by T.
Protein change: p.Ala230Ser; replaces alanine 230 with serine.
Molecular consequence: missense variant.
Genome position (GRCh38, 1-based): chr17:75,846,952, C>A on the plus strand (G>T on the coding strand, the complement: WBP2 is on the minus strand). VCF-style: chr17-75846952-C-A. GRCh37 (hg19) VCF-style: chr17-73843033-C-A.
Other names: c.553G>T, p.Ala185Ser (NM_001330499.2); c.688G>T, p.Ala230Ser (NM_001348170.1); short protein forms A185S, A230S.
Identifiers: ClinVar variation 4809428 (VCV004809428.1).
Genomic context (GRCh38, chr17:75,846,952, plus strand): 5'-TGCCAAGCCCTCTCACCGTGGGCATGTAGACGTTGTGAGGATTGCCTGGGTTGTAATAGG[C>A]GCTGGCGGCTGCTTCTGCGGCCTTGGCTTCGGCTGTGAGAGCAAACACACCTGGTGTCGG-3'
Protein context (NP_036610.2, residues 220-240): EAKAAEAAAS[Ala230Ser]YYNPGNPHNV

ClinVar aggregate classification (germline): Uncertain significance (1 of 4 stars; one submission).

gnomAD v4.1: 11 of 1,614,072 alleles (0.00068%); highest among the groups gnomAD compares: South Asian, 0.0077%; no homozygotes.

Submission:

Labcorp Genetics (formerly Invitae), Labcorp
Classification: Uncertain significance. Last evaluated: 2025-05-15. Review status: criteria provided, single submitter. Criteria: Invitae Variant Classification Sherloc (09022015). Collection method: clinical testing. Allele origin: germline.
Comment: This sequence change replaces alanine, which is neutral and non-polar, with serine, which is neutral and polar, at codon 230 of the WBP2 protein (p.Ala230Ser). This variant is present in population databases (rs747805731, gnomAD 0.01%). This variant has not been reported in the literature in individuals affected with WBP2-related conditions. An algorithm developed to predict the effect of missense changes on protein structure and function (PolyPhen-2) suggests that this variant is likely to be tolerated. In summary, the available evidence is currently insufficient to determine the role of this variant in disease. Therefore, it has been classified as a Variant of Uncertain Significance.